The following is an entry in ClinVar:

ClinVar aggregate classification (germline): Uncertain significance. Review status: criteria provided, multiple submitters, no conflicts (2 of 4 stars). 2 submissions from 2 submitters: Uncertain significance (2). Last evaluated 2025-12-22.

Conditions:
Hereditary cancer-predisposing syndrome. Also called: Hereditary neoplastic syndrome; Neoplastic Syndromes, Hereditary; Hereditary Cancer Syndrome; Tumor predisposition. Identifiers: Orphanet 140162, MedGen C0027672, MeSH D009386, MONDO:0015356.
Bloom syndrome (BLM). Also called: Bloom-Torre-Machacek syndrome. Identifiers: Orphanet 125, MedGen C0005859, MONDO:0008876, OMIM 210900.

Allele frequency attached by ClinVar (database versions not stated): TOPMed 0.00003.
gnomAD v4.1: 4 of 1,613,488 alleles (0.00025%); highest among the groups gnomAD compares: African/African-American, 0.0053%; no homozygotes.

Submissions (2):

Labcorp Genetics (formerly Invitae), Labcorp
Classification: Uncertain significance for Bloom syndrome. Last evaluated: 2025-12-22. Review status: criteria provided, single submitter. Criteria: Invitae Variant Classification Sherloc (09022015). Collection method: clinical testing. Allele origin: germline.
Comment: This sequence change replaces glutamine, which is neutral and polar, with leucine, which is neutral and non-polar, at codon 645 of the BLM protein (p.Gln645Leu). This variant is present in population databases (rs377563699, gnomAD 0.008%). This variant has not been reported in the literature in individuals affected with BLM-related conditions. ClinVar contains an entry for this variant (Variation ID: 660272). Invitae Evidence Modeling of protein sequence and biophysical properties (such as structural, functional, and spatial information, amino acid conservation, physicochemical variation, residue mobility, and thermodynamic stability) indicates that this missense variant is not expected to disrupt BLM protein function with a negative predictive value of 80%. In summary, the available evidence is currently insufficient to determine the role of this variant in disease. Therefore, it has been classified as a Variant of Uncertain Significance.

Ambry Genetics
Classification: Uncertain significance for Hereditary cancer-predisposing syndrome. Last evaluated: 2025-07-19. Review status: criteria provided, single submitter. Criteria: Ambry Variant Classification Scheme 2023. Collection method: clinical testing. Allele origin: germline.
Comment: The p.Q645L variant (also known as c.1934A>T), located in coding exon 7 of the BLM gene, results from an A to T substitution at nucleotide position 1934. The glutamine at codon 645 is replaced by leucine, an amino acid with dissimilar properties. This amino acid position is not well conserved in available vertebrate species. In addition, this alteration is predicted to be tolerated by in silico analysis. Since supporting evidence is limited at this time, the clinical significance of this alteration remains unclear.

NM_000057.4(BLM):c.1934A>T (p.Gln645Leu)

Gene: BLM (BLM RecQ like helicase; plus strand). Cytogenetic location: 15q26.1.
Variant type: single nucleotide variant.
Coding change: c.1934A>T on transcript NM_000057.4 (MANE Select); coding-DNA position 1934, A replaced by T.
Protein change: p.Gln645Leu; replaces glutamine 645 with leucine.
Molecular consequence: missense variant.
Genome position (GRCh38, 1-based): chr15:90,763,017, A>T. VCF-style: chr15-90763017-A-T. GRCh37 (hg19) VCF-style: chr15-91306247-A-T.
Other names: c.1934A>T, p.Gln645Leu (NM_001287246.2, NM_001287247.2); c.809A>T, p.Gln270Leu (NM_001287248.2); short protein forms Q645L, Q270L.
Identifiers: ClinVar variation 660272 (VCV000660272.11), dbSNP rs377563699, ClinGen allele CA7738621.